The following is an entry in ClinVar:

NM_005219.5(DIAPH1):c.1892C>T (p.Pro631Leu)

Gene: DIAPH1 (diaphanous related formin 1; minus strand). Cytogenetic location: 5q31.3.
Variant type: single nucleotide variant.
Coding change: c.1892C>T on transcript NM_005219.5 (MANE Select); coding-DNA position 1892, C replaced by T.
Protein change: p.Pro631Leu; replaces proline 631 with leucine.
Molecular consequence: missense variant.
Genome position (GRCh38, 1-based): chr5:141,573,958, G>A on the plus strand (C>T on the coding strand, the complement: DIAPH1 is on the minus strand). VCF-style: chr5-141573958-G-A. GRCh37 (hg19) VCF-style: chr5-140953525-G-A.
Other names: c.1865C>T, p.Pro622Leu (NM_001079812.3); c.1892C>T, p.Pro631Leu (NM_001314007.2); short protein forms P622L, P631L.
Identifiers: ClinVar variation 4784890 (VCV004784890.1).
Genomic context (GRCh38, chr5:141,573,958, plus strand): 5'-ATGGTAGCATCCCCAGACAAAGGAGGGGGTGGAGAGATAGCAGTACCTCCAGGTAAAGAA[G>A]GGGGTGAGGAGATGCAAACACCCCCAGGCAAAGGAGGTGGAGGAGGAGGAGGAGGAGGAG-3'
Protein context (NP_005210.3, residues 621-641): LPGGVCISSP[Pro631Leu]SLPGGTAISP

ClinVar aggregate classification (germline): Uncertain significance (1 of 4 stars; one submission).

Conditions:
Progressive microcephaly-seizures-cortical blindness-developmental delay syndrome. Also called: Seizures, cortical blindness, and microcephaly syndrome. Identifiers: Orphanet 477814, MedGen C5567650, MONDO:0014714, OMIM 616632.
Autosomal dominant nonsyndromic hearing loss 1. Also called: DEAFNESS, AUTOSOMAL DOMINANT 1, WITH OR WITHOUT THROMBOCYTOPENIA; KONIGSMARK SYNDROME. Identifiers: Orphanet 90635, MedGen C1852282, MONDO:0007424, OMIM 124900.

Submission:

Labcorp Genetics (formerly Invitae), Labcorp
Classification: Uncertain significance for Progressive microcephaly-seizures-cortical blindness-developmental delay syndrome; Autosomal dominant nonsyndromic hearing loss 1. Last evaluated: 2025-05-02. Review status: criteria provided, single submitter. Criteria: Invitae Variant Classification Sherloc (09022015). Collection method: clinical testing. Allele origin: germline.
Comment: This sequence change replaces proline, which is neutral and non-polar, with leucine, which is neutral and non-polar, at codon 631 of the DIAPH1 protein (p.Pro631Leu). This variant is not present in population databases (gnomAD no frequency). This variant has not been reported in the literature in individuals affected with DIAPH1-related conditions. Experimental studies and prediction algorithms are not available or were not evaluated, and the functional significance of this variant is currently unknown. In summary, the available evidence is currently insufficient to determine the role of this variant in disease. Therefore, it has been classified as a Variant of Uncertain Significance.